The following is an entry in ClinVar:

NM_004655.4(AXIN2):c.170G>A (p.Arg57Gln)

Gene: AXIN2 (axin 2; minus strand). Cytogenetic location: 17q24.1.
Variant type: single nucleotide variant.
Coding change: c.170G>A on transcript NM_004655.4 (MANE Select); coding-DNA position 170, G replaced by A.
Protein change: p.Arg57Gln; replaces arginine 57 with glutamine.
Molecular consequence: missense variant.
Genome position (GRCh38, 1-based): chr17:65,558,451, C>T on the plus strand (G>A on the coding strand, the complement: AXIN2 is on the minus strand). VCF-style: chr17-65558451-C-T. GRCh37 (hg19) VCF-style: chr17-63554569-C-T.
Other names: c.170G>A (LRG_296t1); c.170G>A, p.Arg57Gln (NM_001363813.1); short protein forms R57Q.
Identifiers: ClinVar variation 239997 (VCV000239997.14), dbSNP rs771078276, ClinGen allele CA8719088.

ClinVar aggregate classification (germline): Uncertain significance. Review status: criteria provided, multiple submitters, no conflicts (2 of 4 stars). 2 submissions from 2 submitters: Uncertain significance (2). Last evaluated 2025-11-10.

Conditions:
Hereditary cancer-predisposing syndrome. Also called: Neoplastic Syndromes, Hereditary; Hereditary neoplastic syndrome; Tumor predisposition; Hereditary Cancer Syndrome. Identifiers: Orphanet 140162, MedGen C0027672, MeSH D009386, MONDO:0015356.
Oligodontia-cancer predisposition syndrome. Also called: TOOTH AGENESIS-COLORECTAL CANCER SYNDROME. Identifiers: Orphanet 300576, MedGen C1837750, MONDO:0012075, OMIM 608615. Disease mechanism: loss of function.

Allele frequency attached by ClinVar (database versions not stated): gnomAD exomes below 0.00001; ExAC 0.00001.

Submissions (2):

Labcorp Genetics (formerly Invitae), Labcorp
Classification: Uncertain significance for Oligodontia-cancer predisposition syndrome. Last evaluated: 2025-11-10. Review status: criteria provided, single submitter. Criteria: Invitae Variant Classification Sherloc (09022015). Collection method: clinical testing. Allele origin: germline.
Comment: This sequence change replaces arginine, which is basic and polar, with glutamine, which is neutral and polar, at codon 57 of the AXIN2 protein (p.Arg57Gln). This variant is not present in population databases (gnomAD no frequency). This variant has not been reported in the literature in individuals affected with AXIN2-related conditions. ClinVar contains an entry for this variant (Variation ID: 239997). Invitae Evidence Modeling of protein sequence and biophysical properties (such as structural, functional, and spatial information, amino acid conservation, physicochemical variation, residue mobility, and thermodynamic stability) indicates that this missense variant is expected to disrupt AXIN2 protein function with a positive predictive value of 80%. In summary, the available evidence is currently insufficient to determine the role of this variant in disease. Therefore, it has been classified as a Variant of Uncertain Significance.

Ambry Genetics
Classification: Uncertain significance for Hereditary cancer-predisposing syndrome. Last evaluated: 2024-10-01. Review status: criteria provided, single submitter. Criteria: Ambry Variant Classification Scheme 2023. Collection method: clinical testing. Allele origin: germline.
Comment: The p.R57Q variant (also known as c.170G>A), located in coding exon 1 of the AXIN2 gene, results from a G to A substitution at nucleotide position 170. The arginine at codon 57 is replaced by glutamine, an amino acid with highly similar properties. This amino acid position is highly conserved in available vertebrate species. In addition, the in silico prediction for this alteration is inconclusive. Based on the available evidence, the clinical significance of this variant remains unclear.